The following is an entry in ClinVar:

ClinVar aggregate classification (germline): Conflicting classifications of pathogenicity. Review status: criteria provided, conflicting classifications (1 of 4 stars). 2 submissions from 2 submitters: Uncertain significance (1); Likely benign (1). Last evaluated 2025-09-24.

Conditions:
Inborn genetic diseases. Identifiers: MedGen C0950123, MeSH D030342.
Hajdu-Cheney syndrome (HJCYS). Also called: ACROOSTEOLYSIS WITH OSTEOPOROSIS AND CHANGES IN SKULL AND MANDIBLE; SERPENTINE FIBULA-POLYCYSTIC KIDNEY SYNDROME; Acroosteolysis dominant type. Identifiers: Orphanet 955, MedGen C0917715, MONDO:0007057, OMIM 102500.

gnomAD v4.1: 3 of 1,613,716 alleles (0.00019%); highest among the groups gnomAD compares: African/African-American, 0.0027%; no homozygotes.

Submissions (2):

Ambry Genetics
Classification: Likely benign for Inborn genetic diseases. Last evaluated: 2025-09-24. Review status: criteria provided, single submitter. Criteria: Ambry Variant Classification Scheme 2023. Collection method: clinical testing. Allele origin: germline.

Labcorp Genetics (formerly Invitae), Labcorp
Classification: Uncertain significance for Hajdu-Cheney syndrome. Last evaluated: 2024-11-21. Review status: criteria provided, single submitter. Criteria: Invitae Variant Classification Sherloc (09022015). Collection method: clinical testing. Allele origin: germline.
Comment: This sequence change replaces asparagine, which is neutral and polar, with serine, which is neutral and polar, at codon 2465 of the NOTCH2 protein (p.Asn2465Ser). This variant is present in population databases (rs587713310, gnomAD 0.01%). This variant has not been reported in the literature in individuals affected with NOTCH2-related conditions. Invitae Evidence Modeling of protein sequence and biophysical properties (such as structural, functional, and spatial information, amino acid conservation, physicochemical variation, residue mobility, and thermodynamic stability) indicates that this missense variant is not expected to disrupt NOTCH2 protein function with a negative predictive value of 95%. In summary, the available evidence is currently insufficient to determine the role of this variant in disease. Therefore, it has been classified as a Variant of Uncertain Significance.

NM_024408.4(NOTCH2):c.7394A>G (p.Asn2465Ser)

Gene: NOTCH2 (notch receptor 2; minus strand). Cytogenetic location: 1p12.
Variant type: single nucleotide variant.
Coding change: c.7394A>G on transcript NM_024408.4 (MANE Select); coding-DNA position 7394, A replaced by G.
Protein change: p.Asn2465Ser; replaces asparagine 2465 with serine.
Molecular consequence: missense variant.
Genome position (GRCh38, 1-based): chr1:119,915,328, T>C on the plus strand (A>G on the coding strand, the complement: NOTCH2 is on the minus strand). VCF-style: chr1-119915328-T-C. GRCh37 (hg19) VCF-style: chr1-120457951-T-C.
Other names: c.7394A>G (NM_024408.3); short protein forms N2465S.
Identifiers: ClinVar variation 3714672 (VCV003714672.3).
Genomic context (GRCh38, chr1:119,915,328, plus strand): 5'-AAAAGTCAGTTATGTCTCTACACTGGAGGTGGACTCTCTCACGCATAAACCTGCATGTTG[T>C]TGTGTGGTGGCTCAGACATGTGTGTCCCAGGTCCCCGCTGACCTCCTCCAGCACCCCCAG-3'
Protein context (NP_077719.2, residues 2455-2471): PGTHMSEPPH[Asn2465Ser]NMQVYA